The following is an entry in ClinVar:

ClinVar aggregate classification (germline): Uncertain significance (1 of 4 stars; one submission).

gnomAD v4.1: 1 of 152,114 alleles (0.00066%); highest among the groups gnomAD compares: Non-Finnish European, 0.0015%; no homozygotes.

Submission:

Greenwood Genetic Center Diagnostic Laboratories, Greenwood Genetic Center
Classification: Uncertain significance. Last evaluated: 2025-12-30. Review status: criteria provided, single submitter. Criteria: ACMG Guidelines, 2015. Collection method: clinical testing. Allele origin: germline. Affected: yes.
Comment: PM2, BP4

NM_001277115.2(DNAH11):c.4944+553C>G

Gene: DNAH11 (dynein axonemal heavy chain 11; plus strand). Cytogenetic location: 7p15.3.
Variant type: single nucleotide variant.
Coding change: c.4944+553C>G on transcript NM_001277115.2 (MANE Select); 553 bases into the intron after coding-DNA position 4944, C replaced by G.
Molecular consequence: intron variant.
Genome position (GRCh38, 1-based): chr7:21,639,618, C>G. VCF-style: chr7-21639618-C-G. GRCh37 (hg19) VCF-style: chr7-21679236-C-G.
Identifiers: ClinVar variation 4845559 (VCV004845559.1).